The following is an entry in ClinVar:

NG_032580.1:g.(92613040_92613130)_(92613377_92613619)del

Gene: KIF11 (kinesin family member 11; plus strand).
Variant type: Deletion.
Identifiers: ClinVar variation 1174128 (VCV001174128.3).

ClinVar aggregate classification (germline): Likely pathogenic (1 of 4 stars; one submission).

Conditions:
Microcephaly with or without chorioretinopathy, lymphedema, or impaired intellectual development. Also called: MICROCEPHALY AND CHORIORETINOPATHY WITH OR WITHOUT MENTAL RETARDATION, AUTOSOMAL DOMINANT; MICROCEPHALY, LYMPHEDEMA, CHORIORETINAL DYSPLASIA SYNDROME; Microcephaly with or without chorioretinopathy, lymphedema, or intellectual disability; Microcephaly lymphedema chorioretinal dysplasia; Microcephaly with or without chorioretinopathy, lymphedema, or mental retardation. Identifiers: Orphanet 2526, MedGen C1835265, MONDO:0007918, OMIM 152950.

Submission:

Department of Paediatric Medicine, Post Graduation Institute of Medical Education and Research
Classification: Likely pathogenic for Microcephaly with or without chorioretinopathy, lymphedema, or impaired intellectual development. Last evaluated: 2021-04-14. Review status: criteria provided, single submitter. Criteria: ACMG Guidelines, 2015. Collection method: clinical testing. Allele origin: de novo. Inheritance: Autosomal dominant inheritance. Affected: yes. Observed: 1 variant allele, 1 heterozygote.
Comment: Deletion in the KIF11 gene have previously been reported in patients affected with microcephaly with or without chorioretinopathy, lymphedema, or mental retardation.